The following is an entry in ClinVar:

ClinVar aggregate classification (germline): Pathogenic (1 of 4 stars; one submission).

Conditions:
Smith-Lemli-Opitz syndrome (SLOS). Also called: 7-Dehydrocholesterol reductase deficiency; LETHAL ACRODYSGENITAL SYNDROME; POLYDACTYLY, SEX REVERSAL, RENAL HYPOPLASIA, AND UNILOBAR LUNG; RSH SYNDROME; RUTLEDGE LETHAL MULTIPLE CONGENITAL ANOMALY SYNDROME. Identifiers: Orphanet 818, MedGen C0175694, MONDO:0010035, OMIM 270400.

Submission:

Labcorp Genetics (formerly Invitae), Labcorp
Classification: Pathogenic for Smith-Lemli-Opitz syndrome. Last evaluated: 2025-12-20. Review status: criteria provided, single submitter. Criteria: Invitae Variant Classification Sherloc (09022015). Collection method: clinical testing. Allele origin: germline.
Comment: This sequence change creates a premature translational stop signal (p.Glu224Glyfs*39) in the DHCR7 gene. It is expected to result in an absent or disrupted protein product. Loss-of-function variants in DHCR7 are known to be pathogenic (PMID: 9634533, 10677299). This variant is not present in population databases (gnomAD no frequency). This variant has not been reported in the literature in individuals affected with DHCR7-related conditions. For these reasons, this variant has been classified as Pathogenic.

Literature cited by the submitters: PubMed 9634533; PubMed 10677299.

NM_001360.3(DHCR7):c.671_683del (p.Glu224fs)

Gene: DHCR7 (7-dehydrocholesterol reductase; minus strand). Cytogenetic location: 11q13.4.
Variant type: Deletion.
Coding change: c.671_683del on transcript NM_001360.3 (MANE Select); coding-DNA positions 671 to 683, 13 bases deleted (AGTTTAACCCTCG).
Protein change: p.Glu224fs; shifts the reading frame from glutamic acid 224.
Molecular consequence: frameshift variant.
Genome position (GRCh38, 1-based): chr11:71,439,027-71,439,039, CGAGGGTTAAACT deleted on the plus strand (AGTTTAACCCTCG on the coding strand, the reverse complement: DHCR7 is on the minus strand); deleting any 13 consecutive bases within chr11:71,439,027-71,439,042 gives the same sequence; the c. name uses the placement nearest the transcript's 3' end. VCF-style (leftmost placement, unchanged base first): chr11-71439026-CCGAGGGTTAAACT-C. GRCh37 (hg19) VCF-style: chr11-71150072-CCGAGGGTTAAACT-C.
Other names: c.671_683del, p.Glu224fs (NM_001163817.2, NM_001425109.1, NM_001425110.1 and 6 more transcripts); c.722_734del, p.Glu241fs (NM_001425107.1); c.707_719del, p.Glu236fs (NM_001425108.1); c.611_623del, p.Glu204fs (NM_001425113.1); c.575_587del, p.Glu192fs (NM_001425114.1, NM_001425116.1); c.497_509del, p.Glu166fs (NM_001425117.1); short protein forms E204fs, E236fs, E166fs, E192fs, E224fs, E241fs.
Identifiers: ClinVar variation 4733688 (VCV004733688.1).